The following is an entry in ClinVar:

NM_001122630.2(CDKN1C):c.-11+60G>A

Gene: CDKN1C (cyclin dependent kinase inhibitor 1C; minus strand). Cytogenetic location: 11p15.4.
Variant type: single nucleotide variant.
Coding change: c.-11+60G>A on transcript NM_001122630.2 (MANE Select); 60 bases into the intron after 11 bases upstream of the start codon, G replaced by A.
Molecular consequence: intron variant. On other transcripts: 5 prime UTR variant (1).
Genome position (GRCh38, 1-based): chr11:2,885,574, C>T on the plus strand (G>A on the coding strand, the complement: CDKN1C is on the minus strand). VCF-style: chr11-2885574-C-T. GRCh37 (hg19) VCF-style: chr11-2906804-C-T.
Other names: c.-11+60G>A (NM_001362475.2, NM_001122631.2); c.-85G>A (NM_001362474.2, LRG_533t1, NM_000076.2).
Identifiers: ClinVar variation 254880 (VCV000254880.17), dbSNP rs143992355, ClinGen allele CA10587115.

ClinVar aggregate classification (germline): Benign/Likely benign. Review status: criteria provided, multiple submitters, no conflicts (2 of 4 stars). 6 submissions from 6 submitters: Benign (4); Likely benign (2). Last evaluated 2026-01-19.

Conditions:
Beckwith-Wiedemann syndrome (BWS). Also called: EMG SYNDROME; Exomphalos macroglossia gigantism syndrome. Identifiers: Orphanet 116, MedGen C0004903, MONDO:0007534, OMIM 130650.

Allele frequency attached by ClinVar (database versions not stated): 1000 Genomes Project 0.01418; 1000 Genomes Project 30x 0.01452; gnomAD 0.02720 and 0.02792; TOPMed 0.02889; gnomAD exomes 0.03865.
gnomAD v4.1: 56,264 of 1,499,538 alleles (3.8%); highest among the groups gnomAD compares: Middle Eastern, 5.2%; 1,287 homozygotes.

Submissions (6):

Labcorp Genetics (formerly Invitae), Labcorp
Classification: Benign for Beckwith-Wiedemann syndrome. Last evaluated: 2026-01-19. Review status: criteria provided, single submitter. Criteria: Invitae Variant Classification Sherloc (09022015). Collection method: clinical testing. Allele origin: germline.

Sema4
Classification: Benign for Beckwith-Wiedemann syndrome. Last evaluated: 2020-07-14. Review status: criteria provided, single submitter. Criteria: Sema4 Curation Guidelines. Collection method: curation. Allele origin: germline.

GeneDx
Classification: Likely benign. Last evaluated: 2018-06-23. Review status: criteria provided, single submitter. Criteria: GeneDx Variant Classification Process June 2021. Collection method: clinical testing. Allele origin: germline. Affected: yes.
Comment: This variant is associated with the following publications: (PMID: 27884173, 10424811)

Eurofins Ntd Llc (ga)
Classification: Benign. Last evaluated: 2018-02-27. Review status: criteria provided, single submitter. Criteria: EGL ClinVar v180209 classification definitions. Collection method: clinical testing. Allele origin: germline. Observed: 1 variant allele, 1 heterozygote.

Breakthrough Genomics
Classification: Likely benign. Review status: criteria provided, single submitter. Criteria: ACMG Guidelines, 2015. Collection method: not provided. Allele origin: germline. Inheritance: Autosomal dominant inheritance. Affected: yes.

PreventionGenetics, part of Exact Sciences
Classification: Benign. Review status: criteria provided, single submitter. Criteria: ACMG Guidelines, 2015. Collection method: clinical testing. Allele origin: germline.